The following is an entry in ClinVar:

ClinVar aggregate classification (germline): Benign/Likely benign. Review status: criteria provided, multiple submitters, no conflicts (2 of 4 stars). 2 submissions from 2 submitters: Benign (1); Likely benign (1). Last evaluated 2022-03-10.

Conditions:
Neuronal ceroid lipofuscinosis. Also called: Neuronal Ceroid Lipofuscinoses. Identifiers: Orphanet 216, Orphanet 79263, MedGen C0027877, MONDO:0016295. Disease mechanism: loss of function.

Submissions (2):

Labcorp Genetics (formerly Invitae), Labcorp
Classification: Likely benign for Neuronal ceroid lipofuscinosis. Last evaluated: 2022-03-10. Review status: criteria provided, single submitter. Criteria: Invitae Variant Classification Sherloc (09022015). Collection method: clinical testing. Allele origin: germline.

GeneDx
Classification: Benign. Last evaluated: 2014-03-13. Review status: criteria provided, single submitter. Criteria: GeneDx Variant Classification (06012015). Collection method: clinical testing. Allele origin: germline. Affected: yes.
Comment: This variant is considered likely benign or benign based on one or more of the following criteria: it is a conservative change, it occurs at a poorly conserved position in the protein, it is predicted to be benign by multiple in silico algorithms, and/or has population frequency not consistent with disease.

NM_001042432.2(CLN3):c.1197+8T>C

Gene: CLN3 (CLN3 lysosomal/endosomal transmembrane protein, battenin; minus strand). Cytogenetic location: 16p12.1.
Variant type: single nucleotide variant.
Coding change: c.1197+8T>C on transcript NM_001042432.2 (MANE Select); 8 bases into the intron after coding-DNA position 1197, T replaced by C.
Molecular consequence: intron variant.
Genome position (GRCh38, 1-based): chr16:28,477,729, A>G on the plus strand (T>C on the coding strand, the complement: CLN3 is on the minus strand). VCF-style: chr16-28477729-A-G. GRCh37 (hg19) VCF-style: chr16-28489050-A-G.
Other names: c.963+8T>C (NM_001286109.2); c.1125+8T>C (NM_001286104.2); c.897+8T>C (NM_001286105.2); c.1035+8T>C (NM_001286110.2); c.1197+8T>C (NM_000086.2).
Identifiers: ClinVar variation 136784 (VCV000136784.8), dbSNP rs587780895, ClinGen allele CA290119.